The following is an entry in ClinVar:

ClinVar aggregate classification (germline): Uncertain significance (1 of 4 stars; one submission).

gnomAD v4.1: 20 of 1,208,822 alleles (0.0017%); highest among the groups gnomAD compares: Middle Eastern, 0.023%; no homozygotes.

Submission:

Women's Health and Genetics/Laboratory Corporation of America, LabCorp
Classification: Uncertain significance. Last evaluated: 2026-06-16. Review status: criteria provided, single submitter. Criteria: LabCorp Variant Classification Summary - May 2015. Collection method: clinical testing. Allele origin: germline.
Comment: Variant summary: SLITRK2 c.1957G>A (p.Val653Ile) results in a conservative amino acid change in the encoded protein sequence. Algorithms developed to predict the effect of missense changes on protein structure and function are either unavailable or do not agree on the potential impact of this missense change. The variant was absent in 183096 control chromosomes. The available data on variant occurrences in the general population are insufficient to allow any conclusion about variant significance. To our knowledge, no occurrence of c.1957G>A in individuals affected with SLITRK2-related conditions and no experimental evidence demonstrating its impact on protein function have been reported. No submitters have cited clinical-significance assessments for this variant to ClinVar. Based on the evidence outlined above, the variant was classified as uncertain significance.

NM_032539.5(SLITRK2):c.1957G>A (p.Val653Ile)

Gene: SLITRK2 (SLIT and NTRK like family member 2; plus strand). Cytogenetic location: Xq27.3.
Variant type: single nucleotide variant.
Coding change: c.1957G>A on transcript NM_032539.5 (MANE Select); coding-DNA position 1957, G replaced by A.
Protein change: p.Val653Ile; replaces valine 653 with isoleucine.
Molecular consequence: missense variant.
Genome position (GRCh38, 1-based): chrX:145,824,382, G>A. VCF-style: chrX-145824382-G-A. GRCh37 (hg19) VCF-style: chrX-144905900-G-A.
Other names: c.1957G>A, p.Val653Ile (NM_001144003.3, NM_001144004.3, NM_001144005.3 and 4 more transcripts); short protein forms V653I.
Identifiers: ClinVar variation 4887196 (VCV004887196.1).